The following is an entry in ClinVar:

ClinVar aggregate classification (germline): Benign. Review status: criteria provided, multiple submitters, no conflicts (2 of 4 stars). 12 submissions from 11 submitters: Benign (8). 4 of the submissions do not count toward it. Last evaluated 2026-02-03.

Conditions:
Emery-Dreifuss muscular dystrophy 4, autosomal dominant (EDMD4). Also called: EMERY-DREIFUSS MUSCULAR DYSTROPHY 4 WITH VARIABLE FEATURES. Identifiers: Orphanet 261, MedGen C2751807, MONDO:0013071, OMIM 612998.
Autosomal recessive ataxia, Beauce type. Also called: SYNE1 Deficiency; Spinocerebellar ataxia, autosomal recessive 8; ATAXIA, RECESSIVE, OF BEAUCE; SYNE1-Related Autosomal Recessive Cerebellar Ataxia. Identifiers: Orphanet 88644, MedGen C1853116, MONDO:0012549, OMIM 610743.

Allele frequency attached by ClinVar (database versions not stated): ESP Exome Variant Server 0.19845; TOPMed 0.20254; gnomAD exomes 0.23524; ExAC 0.23729; 1000 Genomes Project 30x 0.24016; 1000 Genomes Project 0.24900.
gnomAD v4.1: 363,167 of 1,613,860 alleles (23%); highest among the groups gnomAD compares: East Asian, 43%; 43,125 homozygotes.

Submissions (12):

Labcorp Genetics (formerly Invitae), Labcorp
Classification: Benign for Emery-Dreifuss muscular dystrophy 4, autosomal dominant; Autosomal recessive ataxia, Beauce type. Last evaluated: 2026-02-03. Review status: criteria provided, single submitter. Criteria: Invitae Variant Classification Sherloc (09022015). Collection method: clinical testing. Allele origin: germline.

Blueprint Genetics
Classification: Benign. Last evaluated: 2024-11-26. Review status: criteria provided, single submitter. Criteria: ACMG Guidelines, 2015. Collection method: clinical testing. Allele origin: germline.

Athena Diagnostics
Classification: Benign. Last evaluated: 2018-11-02. Review status: criteria provided, single submitter. Criteria: Athena Diagnostics Criteria. Collection method: clinical testing. Allele origin: germline.

Illumina Laboratory Services, Illumina
Classification: Benign for Emery-Dreifuss muscular dystrophy 4, autosomal dominant. Last evaluated: 2018-01-13. Review status: criteria provided, single submitter. Criteria: ICSL Variant Classification Criteria 13 December 2019. Collection method: clinical testing. Allele origin: germline.
Comment: This variant was observed in the ICSL laboratory as part of a predisposition screen in an ostensibly healthy population. It had not been previously curated by ICSL or reported in the Human Gene Mutation Database (HGMD: prior to June 1st, 2018), and was therefore a candidate for classification through an automated scoring system. Utilizing variant allele frequency, disease prevalence and penetrance estimates, and inheritance mode, an automated score was calculated to assess if this variant is too frequent to cause the disease. Based on the score and internal cut-off values, a variant classified as benign is not then subjected to further curation. The score for this variant resulted in a classification of benign for this disease.

Illumina Laboratory Services, Illumina
Classification: Benign for Autosomal recessive ataxia, Beauce type. Last evaluated: 2018-01-13. Review status: criteria provided, single submitter. Criteria: ICSL Variant Classification Criteria 13 December 2019. Collection method: clinical testing. Allele origin: germline.
Comment: the same text as in the submission from Illumina Laboratory Services, Illumina above.

Mayo Clinic Laboratories, Mayo Clinic
Classification: Benign. Last evaluated: 2017-07-24. Review status: criteria provided, single submitter. Criteria: ACMG Guidelines, 2015. Collection method: clinical testing. Allele origin: germline. Observed: 458 variant alleles.

GeneDx
Classification: Benign. Last evaluated: 2016-01-25. Review status: criteria provided, single submitter. Criteria: GeneDx Variant Classification (06012015). Collection method: clinical testing. Allele origin: germline. Affected: yes.
Comment: This variant is considered likely benign or benign based on one or more of the following criteria: it is a conservative change, it occurs at a poorly conserved position in the protein, it is predicted to be benign by multiple in silico algorithms, and/or has population frequency not consistent with disease.

PreventionGenetics, part of Exact Sciences
Classification: Benign. Review status: criteria provided, single submitter. Criteria: ACMG Guidelines, 2015. Collection method: clinical testing. Allele origin: germline.

Clinical Genetics DNA and cytogenetics Diagnostics Lab, Erasmus MC, Erasmus Medical Center
Classification: Benign. Review status: no assertion criteria provided. Collection method: clinical testing. Allele origin: germline. Affected: yes. Study: VKGL Data-share Consensus. Not counted in ClinVar's aggregate classification.

Clinical Genetics, Academic Medical Center
Classification: Benign. Review status: no assertion criteria provided. Collection method: clinical testing. Allele origin: germline. Affected: yes. Study: VKGL Data-share Consensus. Not counted in ClinVar's aggregate classification.

Diagnostic Laboratory, Department of Genetics, University Medical Center Groningen
Classification: Benign. Review status: no assertion criteria provided. Collection method: clinical testing. Allele origin: germline. Affected: yes. Study: VKGL Data-share Consensus. Not counted in ClinVar's aggregate classification.

Genetic Services Laboratory, University of Chicago
Classification: Likely benign for AllHighlyPenetrant. Review status: no assertion criteria provided. Collection method: clinical testing. Allele origin: germline. Inheritance: Autosomal dominant inheritance. Not counted in ClinVar's aggregate classification.
Comment: Likely benign based on allele frequency in 1000 Genomes Project or ESP global frequency and its presence in a patient with a rare or unrelated disease phenotype. NOT Sanger confirmed.

NM_182961.4(SYNE1):c.8384C>T (p.Ala2795Val)

Gene: SYNE1 (spectrin repeat containing nuclear envelope protein 1; minus strand). Cytogenetic location: 6q25.2.
Variant type: single nucleotide variant.
Coding change: c.8384C>T on transcript NM_182961.4 (MANE Select); coding-DNA position 8384, C replaced by T.
Protein change: p.Ala2795Val; replaces alanine 2795 with valine.
Molecular consequence: missense variant.
Genome position (GRCh38, 1-based): chr6:152,387,175, G>A on the plus strand (C>T on the coding strand, the complement: SYNE1 is on the minus strand). VCF-style: chr6-152387175-G-A. GRCh37 (hg19) VCF-style: chr6-152708310-G-A.
Other names: p.Ala2802Val; c.8405C>T, p.Ala2802Val (NM_033071.5); short protein forms A2795V, A2802V.
Identifiers: ClinVar variation 130452 (VCV000130452.27), dbSNP rs214950, ClinGen allele CA155493.